The following is an entry in ClinVar:

ClinVar aggregate classification (germline): Uncertain significance (1 of 4 stars; one submission).

Conditions:
Griscelli syndrome type 2 (GS2). Also called: PAID SYNDROME; PARTIAL ALBINISM AND IMMUNODEFICIENCY SYNDROME; GRISCELLI SYNDROME WITH HEMOPHAGOCYTIC SYNDROME. Identifiers: Orphanet 381, Orphanet 79477, MedGen C1868679, MONDO:0011872, OMIM 607624.

Allele frequency attached by ClinVar (database versions not stated): TOPMed below 0.00001.

Submission:

Labcorp Genetics (formerly Invitae), Labcorp
Classification: Uncertain significance for Griscelli syndrome type 2. Last evaluated: 2019-09-27. Review status: criteria provided, single submitter. Criteria: Invitae Variant Classification Sherloc (09022015). Collection method: clinical testing. Allele origin: germline.
Comment: In summary, the available evidence is currently insufficient to determine the role of this variant in disease. Therefore, it has been classified as a Variant of Uncertain Significance. This sequence change replaces asparagine with lysine at codon 166 of the RAB27A protein (p.Asn166Lys). The asparagine residue is highly conserved and there is a moderate physicochemical difference between asparagine and lysine. This variant is not present in population databases (ExAC no frequency). This variant has not been reported in the literature in individuals with RAB27A-related conditions. Algorithms developed to predict the effect of missense changes on protein structure and function (SIFT, PolyPhen-2, Align-GVGD) all suggest that this variant is likely to be tolerated, but these predictions have not been confirmed by published functional studies and their clinical significance is uncertain.

NM_183235.3(RAB27A):c.498T>G (p.Asn166Lys)

Gene: RAB27A (RAB27A, member RAS oncogene family; minus strand). Cytogenetic location: 15q21.3.
Variant type: single nucleotide variant.
Coding change: c.498T>G on transcript NM_183235.3 (MANE Select); coding-DNA position 498, T replaced by G.
Protein change: p.Asn166Lys; replaces asparagine 166 with lysine.
Molecular consequence: missense variant.
Genome position (GRCh38, 1-based): chr15:55,205,675, A>C on the plus strand (T>G on the coding strand, the complement: RAB27A is on the minus strand). VCF-style: chr15-55205675-A-C. GRCh37 (hg19) VCF-style: chr15-55497873-A-C.
Other names: c.498T>G, p.Asn166Lys (NM_004580.5, NM_183234.3, NM_183236.3); short protein forms N166K.
Identifiers: ClinVar variation 959518 (VCV000959518.9), dbSNP rs1894613403, ClinGen allele CA392782030.
Genomic context (GRCh38, chr15:55,205,675, plus strand): 5'-TTCCATTCGCTTCATTATCAGGTCCAGAAGCATCTCAATTGCTTGGCTTATGTTTGTCCC[A>C]TTGGCAGCACTAGTTTCAAAGTAGGGGATTCTGGAAGACAGAGACAACTGAGGTAACAAC-3'
Protein context (NP_899058.1, residues 156-176): GIPYFETSAA[Asn166Lys]GTNISQAIEM